The following is an entry in ClinVar:

ClinVar aggregate classification (germline): Likely pathogenic. Review status: criteria provided, multiple submitters, no conflicts (2 of 4 stars). 3 submissions from 3 submitters: Likely pathogenic (2). 1 of the submissions does not count toward it. Last evaluated 2025-11-01.

Conditions:
Congenital disorder of deglycosylation 1. Also called: NGLY1-Related Congenital Disorder of Deglycosylation; NGLY1-deficiency. Identifiers: Orphanet 404454, MedGen CN306977, MONDO:0800044, OMIM 615273.
Neurodevelopmental abnormality. Identifiers: MedGen C4022737, HP:0012759.

Allele frequency attached by ClinVar (database versions not stated): TOPMed below 0.00001.
gnomAD v4.1: 19 of 1,612,968 alleles (0.0012%); highest among the groups gnomAD compares: Non-Finnish European, 0.0014%; no homozygotes.

Submissions (3):

Medical Molecular Genetics, National Research Centre
Classification: Likely pathogenic for Congenital disorder of deglycosylation 1. Last evaluated: 2025-11-01. Review status: criteria provided, single submitter. Criteria: ACMG Guidelines, 2015. Collection method: research. Allele origin: inherited. Affected: yes.

Victorian Clinical Genetics Services, Murdoch Childrens Research Institute
Classification: Likely pathogenic for Congenital disorder of deglycosylation 1. Last evaluated: 2022-02-02. Review status: criteria provided, single submitter. Criteria: ACMG Guidelines, 2015. Collection method: clinical testing. Allele origin: germline. Inheritance: Autosomal recessive inheritance. Affected: yes.
Comment: Based on the classification scheme VCGS_Germline_v1.3.3, this variant is classified as Likely Pathogenic. Following criteria are met: 0102 - Loss of function is a known mechanism of disease in this gene and is associated with congenital disorder of deglycosylation (MIM#615273). (I) 0106 - This gene is associated with autosomal recessive disease. (I) 0200 - Variant is predicted to result in a missense amino acid change from arginine to cysteine. (I) 0251 - This variant is heterozygous. (I) 0301 - Variant is absent from gnomAD (both v2 and v3). (SP) 0309 - Alternative amino acid changes at the same position have been observed in gnomAD, p.(Arg328Ser) in gnomAD v2 (2 heterozygote(s), 0 homozygotes) and p.(Arg328His) in gnomAD v3 (1 heterozygote, 0 homozygotes). (I) 0501 - Missense variant consistently predicted to be damaging by multiple in silico tools or highly conserved with a major amino acid change. (SP) 0600 - Variant is located in the annotated Transglutaminase-like superfamily domain (Pfam). (I) 0704 - Another missense variant comparable to the one identified in this case has limited previous evidence for pathogenicity. The alternative amino acid change p.(Arg328Gly) has been reported homozygous in an individual with NGLY1-CDDG (PMID: 31965062). (SP) 0807 - This variant has no previous evidence of pathogenicity. (I) 0905 - No published segregation evidence has been identified for this variant. (I) 1006 - Clinical laboratory assay shows abnormal function not specific to the gene. (SP) 1102 - Strong phenotype match for this individual. (I) Legend: (SP) - Supporting pathogenic, (I) - Information, (SB) - Supporting benign

Department of Genetics, Rouen University Hospital, Normandy Center for Genomic and Personalized Medicine
Classification: Likely pathogenic for Neurodevelopmental abnormality. Last evaluated: 2020-06-04. Review status: no assertion criteria provided. Collection method: clinical testing. Allele origin: inherited. Affected: yes. Not counted in ClinVar's aggregate classification.

Literature cited by the submitters: PubMed 29550355 (cited by Victorian Clinical Genetics Services, Murdoch Childrens Research Institute); PubMed 31965062 (cited by Victorian Clinical Genetics Services, Murdoch Childrens Research Institute).

NM_018297.4(NGLY1):c.982C>T (p.Arg328Cys)

Gene: NGLY1 (N-glycanase 1; minus strand). Cytogenetic location: 3p24.2.
Variant type: single nucleotide variant.
Coding change: c.982C>T on transcript NM_018297.4 (MANE Select); coding-DNA position 982, C replaced by T.
Protein change: p.Arg328Cys; replaces arginine 328 with cysteine.
Molecular consequence: missense variant.
Genome position (GRCh38, 1-based): chr3:25,737,355, G>A on the plus strand (C>T on the coding strand, the complement: NGLY1 is on the minus strand). VCF-style: chr3-25737355-G-A. GRCh37 (hg19) VCF-style: chr3-25778846-G-A.
Other names: c.982C>T, p.Arg328Cys (NM_001145293.2, NM_001145295.2); c.856C>T, p.Arg286Cys (NM_001145294.2); short protein forms R286C, R328C.
Identifiers: ClinVar variation 984581 (VCV000984581.4), dbSNP rs762276611, ClinGen allele CA351901852.